The following is an entry in ClinVar:

NM_177438.3(DICER1):c.2966_2967del (p.Asp989fs)

Gene: DICER1 (dicer 1, ribonuclease III; minus strand). Cytogenetic location: 14q32.13.
Variant type: Deletion.
Coding change: c.2966_2967del on transcript NM_177438.3 (MANE Select); coding-DNA positions 2966 to 2967, 2 bases deleted (AT; older notation c.2966_2967delAT).
Protein change: p.Asp989fs; shifts the reading frame from aspartic acid 989.
Molecular consequence: frameshift variant.
Genome position (GRCh38, 1-based): chr14:95,106,061-95,106,062, AT deleted on the plus strand (AT on the coding strand, the reverse complement: DICER1 is on the minus strand). VCF-style (leftmost placement, unchanged base first): chr14-95106060-CAT-C. GRCh37 (hg19) VCF-style: chr14-95572397-CAT-C.
Other names: c.2966_2967del, p.Asp989fs (NM_001195573.1, NM_001271282.3, NM_001291628.2 and 1 more transcripts); short protein forms D989fs.
Identifiers: ClinVar variation 933102 (VCV000933102.3), dbSNP rs1891391668, ClinGen allele CA1139663647.
Genomic context (GRCh38, chr14:95,106,060, plus strand): 5'-CCCTCAAGTGCAATCCAAGTGTCATCTCTGAAGCCCCTTACCTTGAAGATGTGTGGTCCA[CAT>C]CCAGCAGTGGCTGGTTGAGATTGGTTAGGTCAAGGTTGTACTTTGTTTTATAATATTCTG-3'

ClinVar aggregate classification (germline): Likely pathogenic (1 of 4 stars; one submission).

Conditions:
DICER1-related tumor predisposition. Also called: DICER1-related pleuropulmonary blastoma cancer predisposition syndrome; DICER1 syndrome. Identifiers: Orphanet 284343, MedGen C3839822, MONDO:0100216.

Submission:

Foulkes Cancer Genetics LDI, Lady Davis Institute for Medical Research
Classification: Likely pathogenic for Pleuropulmonary blastoma. Last evaluated: 2019-07-01. Review status: criteria provided, single submitter. Criteria: ACMG Guidelines, 2015. Collection method: curation. Allele origin: unknown. Affected: yes. Observed: 1 variant allele.
Comment: ACMG criteria met: PVS1, PM2

Literature cited by the submitters: PubMed 25231023.